The following is an entry in ClinVar:

NM_001302998.2(LIPI):c.1074A>C (p.Lys358Asn)

Gene: LIPI (lipase I; minus strand). Cytogenetic location: 21q11.2.
Variant type: single nucleotide variant.
Coding change: c.1074A>C on transcript NM_001302998.2 (MANE Select); coding-DNA position 1074, A replaced by C.
Protein change: p.Lys358Asn; replaces lysine 358 with asparagine.
Molecular consequence: missense variant. On other transcripts: intron variant (1).
Genome position (GRCh38, 1-based): chr21:14,152,617, T>G on the plus strand (A>C on the coding strand, the complement: LIPI is on the minus strand). VCF-style: chr21-14152617-T-G. GRCh37 (hg19) VCF-style: chr21-15524938-T-G.
Other names: c.984A>C, p.Lys328Asn (NM_001302999.2); c.1056A>C, p.Lys352Asn (NM_001303000.2); c.969A>C, p.Lys323Asn (NM_001379565.1); c.579A>C, p.Lys193Asn (NM_001379566.1); c.939A>C, p.Lys313Asn (NM_198996.4); c.1006+10802A>C (NM_001303001.2); short protein forms K193N, K323N, K328N, K313N, K358N, K352N.
Identifiers: ClinVar variation 1391468 (VCV001391468.6), dbSNP rs201138245, ClinGen allele CA317646262.

ClinVar aggregate classification (germline): Uncertain significance (1 of 4 stars; one submission).

Allele frequency attached by ClinVar (database versions not stated): TOPMed below 0.00001; gnomAD 0.00001.
gnomAD v4.1: 3 of 1,590,716 alleles (0.00019%); highest among the groups gnomAD compares: Non-Finnish European, 0.00026%; no homozygotes.

Submission:

Labcorp Genetics (formerly Invitae), Labcorp
Classification: Uncertain significance. Last evaluated: 2021-10-07. Review status: criteria provided, single submitter. Criteria: Invitae Variant Classification Sherloc (09022015). Collection method: clinical testing. Allele origin: germline.
Comment: This variant has not been reported in the literature in individuals affected with LIPI-related conditions. In summary, the available evidence is currently insufficient to determine the role of this variant in disease. Therefore, it has been classified as a Variant of Uncertain Significance. Algorithms developed to predict the effect of missense changes on protein structure and function are either unavailable or do not agree on the potential impact of this missense change (SIFT: "Tolerated"; PolyPhen-2: "Possibly Damaging"; Align-GVGD: "Class C0"). This variant is not present in population databases (ExAC no frequency). This sequence change replaces lysine with asparagine at codon 379 of the LIPI protein (p.Lys379Asn). The lysine residue is moderately conserved and there is a moderate physicochemical difference between lysine and asparagine.